The following is an entry in ClinVar:

NM_000384.3(APOB):c.11265T>A (p.Asp3755Glu)

Gene: APOB (apolipoprotein B; minus strand). Cytogenetic location: 2p24.1.
Variant type: single nucleotide variant.
Coding change: c.11265T>A on transcript NM_000384.3 (MANE Select); coding-DNA position 11265, T replaced by A.
Protein change: p.Asp3755Glu; replaces aspartic acid 3755 with glutamic acid.
Molecular consequence: missense variant.
Genome position (GRCh38, 1-based): chr2:21,005,603, A>T on the plus strand (T>A on the coding strand, the complement: APOB is on the minus strand). VCF-style: chr2-21005603-A-T. GRCh37 (hg19) VCF-style: chr2-21228475-A-T.
Other names: short protein forms D3755E.
Identifiers: ClinVar variation 4613688 (VCV004613688.1).

ClinVar aggregate classification (germline): Uncertain significance (1 of 4 stars; one submission).

Conditions:
Cardiovascular phenotype. Identifiers: MedGen CN230736.

Submission:

Ambry Genetics
Classification: Uncertain significance for Cardiovascular phenotype. Last evaluated: 2025-11-22. Review status: criteria provided, single submitter. Criteria: Ambry Variant Classification Scheme 2023. Collection method: clinical testing. Allele origin: germline.
Comment: The p.D3755E variant (also known as c.11265T>A), located in coding exon 26 of the APOB gene, results from a T to A substitution at nucleotide position 11265. The aspartic acid at codon 3755 is replaced by glutamic acid, an amino acid with highly similar properties. This amino acid position is conserved. In addition, this alteration is predicted to be tolerated by in silico analysis. Based on the available evidence, the clinical significance of this variant remains unclear.